The following is an entry in ClinVar:

ClinVar aggregate classification (germline): Uncertain significance (1 of 4 stars; one submission).

Conditions:
ADGRV1-related disorder. Also called: ADGRV1-related disorders; ADGRV1-related condition.

Submission:

PreventionGenetics, part of Exact Sciences
Classification: Uncertain significance for ADGRV1-related condition. Last evaluated: 2025-03-25. Review status: criteria provided, single submitter. Criteria: ACMG Guidelines, 2015. Collection method: clinical testing. Allele origin: germline.
Comment: The ADGRV1 c.5957G>T variant is predicted to result in the amino acid substitution p.Arg1986Ile. To our knowledge, this variant has not been reported in the literature or in a large population database (gnomAD), indicating this variant is rare. At this time, the clinical significance of this variant is uncertain due to the absence of conclusive functional and genetic evidence.

NM_032119.4(ADGRV1):c.5957G>T (p.Arg1986Ile)

Gene: ADGRV1 (adhesion G protein-coupled receptor V1; plus strand). Cytogenetic location: 5q14.3.
Variant type: single nucleotide variant.
Coding change: c.5957G>T on transcript NM_032119.4 (MANE Select); coding-DNA position 5957, G replaced by T.
Protein change: p.Arg1986Ile; replaces arginine 1986 with isoleucine.
Molecular consequence: missense variant. On other transcripts: non-coding transcript variant (1).
Genome position (GRCh38, 1-based): chr5:90,683,878, G>T. VCF-style: chr5-90683878-G-T. GRCh37 (hg19) VCF-style: chr5-89979695-G-T.
Other names: short protein forms R1986I.
Identifiers: ClinVar variation 5001622 (VCV005001622.1).